The following is an entry in ClinVar:

NM_001365999.1(SZT2):c.6490_6495del (p.His2164_Gly2165del)

Gene: SZT2 (SZT2 subunit of KICSTOR complex; plus strand). Cytogenetic location: 1p34.2.
Variant type: Deletion.
Coding change: c.6490_6495del on transcript NM_001365999.1 (MANE Select); coding-DNA positions 6490 to 6495, 6 bases deleted (CATGGT; older notation c.6490_6495delCATGGT).
Protein change: p.His2164_Gly2165del.
Molecular consequence: inframe deletion.
Genome position (GRCh38, 1-based): chr1:43,437,884-43,437,889, CATGGT deleted. VCF-style (leftmost placement, unchanged base first): chr1-43437883-CCATGGT-C. GRCh37 (hg19) VCF-style: chr1-43903554-CCATGGT-C.
Other names: c.6319_6324del, p.His2107_Gly2108del (NM_015284.4).
Identifiers: ClinVar variation 2718410 (VCV002718410.1), dbSNP rs2545842102, ClinGen allele CA2697552371.

ClinVar aggregate classification (germline): Uncertain significance (1 of 4 stars; one submission).

Submission:

Labcorp Genetics (formerly Invitae), Labcorp
Classification: Uncertain significance. Last evaluated: 2023-03-20. Review status: criteria provided, single submitter. Criteria: Invitae Variant Classification Sherloc (09022015). Collection method: clinical testing. Allele origin: germline.
Comment: This variant has not been reported in the literature in individuals affected with SZT2-related conditions. This variant is not present in population databases (gnomAD no frequency). This variant, c.6319_6324del, results in the deletion of 2 amino acid(s) of the SZT2 protein (p.His2107_Gly2108del), but otherwise preserves the integrity of the reading frame. Experimental studies and prediction algorithms are not available or were not evaluated, and the functional significance of this variant is currently unknown. In summary, the available evidence is currently insufficient to determine the role of this variant in disease. Therefore, it has been classified as a Variant of Uncertain Significance.